The following is an entry in ClinVar:

NM_177438.3(DICER1):c.5125G>A (p.Asp1709Asn)

Gene: DICER1 (dicer 1, ribonuclease III; minus strand). Cytogenetic location: 14q32.13.
Variant type: single nucleotide variant.
Coding change: c.5125G>A on transcript NM_177438.3 (MANE Select); coding-DNA position 5125, G replaced by A.
Protein change: p.Asp1709Asn; replaces aspartic acid 1709 with asparagine.
Molecular consequence: missense variant.
Genome position (GRCh38, 1-based): chr14:95,094,127, C>T on the plus strand (G>A on the coding strand, the complement: DICER1 is on the minus strand). VCF-style: chr14-95094127-C-T. GRCh37 (hg19) VCF-style: chr14-95560464-C-T.
Other names: NM_030621.4(DICER1):c.5125G>A; p.Asp1709Asn; c.5125G>A, p.Asp1709Asn (NM_001195573.1, NM_001271282.3, NM_001291628.2 and 1 more transcripts); short protein forms D1709N.
Identifiers: ClinVar variation 690480 (VCV000690480.15), dbSNP rs1595331264, ClinGen allele CA390865395.

ClinVar aggregate classification (germline): Pathogenic. Review status: reviewed by expert panel (3 of 4 stars). 5 submissions from 5 submitters: Pathogenic (1). 4 of the submissions do not count toward it. Last evaluated 2022-05-17.
ClinVar aggregate classification (somatic clinical impact): Tier I - Strong. Review status: criteria provided, single submitter (1 of 4 stars). 6 submissions from 1 submitter. Last evaluated 2025-04-01.
ClinVar aggregate classification (oncogenicity): Oncogenic (1 of 4 stars; one submission).

Conditions:
DICER1-related tumor predisposition. Also called: DICER1-related pleuropulmonary blastoma cancer predisposition syndrome; DICER1 syndrome. Identifiers: Orphanet 284343, MedGen C3839822, MONDO:0100216.
Hereditary cancer-predisposing syndrome. Also called: Neoplastic Syndromes, Hereditary; Tumor predisposition; Hereditary neoplastic syndrome; Hereditary Cancer Syndrome. Identifiers: Orphanet 140162, MedGen C0027672, MeSH D009386, MONDO:0015356.
Embryonal rhabdomyosarcoma (ERMS). Also called: Botryoid rhabdomyosarcoma (type of ERMS); Spindle cell rhabdomyosarcomas (type of ERMS). Identifiers: Orphanet 99757, MedGen C0206656, MONDO:0009993, HP:0006743.
Papillary thyroid carcinoma. Also called: Thyroid carcinoma, papillary, somatic; NONMEDULLARY THYROID CARCINOMA, PAPILLARY; Thyroid gland papillary carcinoma. Identifiers: Orphanet 146, MedGen C0238463, MeSH D000077273, MONDO:0005075, HP:0002895.
Pleuropulmonary blastoma (PPB). Identifiers: Orphanet 64742, MedGen C1266144, MONDO:0011014, OMIM 601200, HP:0100528.
Sertoli-Leydig cell tumor. Identifiers: MedGen C0206723, MONDO:0002479.
Primary intracranial sarcoma, DICER1-mutant. Identifiers: MedGen C5670660, MONDO:0858967.
Rhabdomyosarcoma. Also called: Rhabdomyosarcoma (disease). Identifiers: Orphanet 780, MedGen C0035412, MeSH D012208, MONDO:0005212, HP:0002859.
Neoplasm. Also called: Neoplasms; Neoplasm (disease); tumor. Identifiers: MedGen C0027651, MeSH D009369, MONDO:0005070, HP:0002664.

Submissions 1 to 7 of 12:

ClinGen DICER1 and miRNA-Processing Gene Variant Curation Expert Panel, ClinGen
Classification: Pathogenic for DICER1-related tumor predisposition. Last evaluated: 2022-05-17. Review status: reviewed by expert panel. Criteria: ClinGen DICER1 ACMG Specifications DICER1 v1. Collection method: curation. Allele origin: germline. Inheritance: Autosomal dominant inheritance.
Comment: The NM_177438.2:c.5125G>A variant in DICER1 is a missense variant predicted to cause substitution of aspartic acid by asparagine at amino acid 1709 (p.Asp1709Asn). This variant received a total of 2 phenotype points across 2 unrelated probands meeting DICER1 VCEP phenotype specificity scoring criteria of 2-3.5 points (PS4_Moderate, PMIDs: 26925222, 26475046). In both probands, this variant was identified as a de novo occurrence with constitutional mosaicism (PS2_Very Strong; PMIDs: 26925222, 26475046). This variant is absent from gnomAD v2.1.1 and v3.1.1 (non-cancer) (PM2_Supporting). In vitro cleavage assays in HEK293 cells showed that this variant fails to produce 5p microRNAs from a pre-miRNA, indicating that this variant impacts protein function (PS3_Supporting, PMIDs: 22187960, 26545620). The computational predictor REVEL gives a score of 0.868, which is above the threshold of 0.75, evidence that correlates with impact to DICER1 function (PP3). This variant resides in the p.D1709 metal ion-binding residue located in the RNase IIIb domain of DICER1, that is defined as a mutational hotspot and critical functional domain by the ClinGen DICER1 VCEP (PM1, PMID: 31342592). In summary, this variant meets the criteria to be classified as PATHOGENIC for DICER1 syndrome based on the ACMG/AMP criteria applied, as specified by the ClinGen DICER1 VCEP: PS4_Moderate, PS2_Very Strong, PM2_Supporting, PS3_Supporting, PP3, PM1. (Bayesian Points: 15; VCEP specifications version 1; 02/11/2022)

GeneDx
Classification: Pathogenic. Last evaluated: 2025-12-10. Review status: criteria provided, single submitter. Criteria: GeneDx Variant Classification Process June 2021. Collection method: clinical testing. Allele origin: germline. Affected: yes. Not counted in ClinVar's aggregate classification.
Comment: Not observed at significant frequency in large population cohorts (gnomAD); In silico analysis supports that this missense variant has a deleterious effect on protein structure/function; This variant is associated with the following publications: (PMID: 37494476, 22187960, 26545620, 24481001, 29315962, 26983701, 26428316, 24136150, 27459524, 29037807, 28825729, 28323992, 26289771, 24909177, 24839956, 24675358, 26928971, 27126690, 28177962, 26475046, 26925222, 38084291)

Institute for Genomic Medicine (IGM) Clinical Laboratory, Nationwide Children's Hospital
Classification: Tier I - Strong for Rhabdomyosarcoma. Assertion type: diagnostic. Clinical significance: supports diagnosis. Last evaluated: 2025-04-01. Review status: criteria provided, single submitter. Criteria: AMP/ASCO/CAP Guidelines, 2017. Collection method: clinical testing. Allele origin: somatic. Affected: yes.
Comment: Variant has Tier I (strong) clinical significance as a diagnostic inclusion criterion in rhabdomyosarcoma, based on the following evidence: 1) Documented in one or more cancer databases (e.g., St. Jude Pecan, COSMIC, CIViC, OncoKB). 2) Appears in one or more well-established professional guidelines (e.g., World Health Organization [WHO]; National Comprehensive Cancer Network [NCCN]) as providing diagnostic, prognostic, or therapeutic information. 3) Information in the literature supports potential biologic effect of variant (PMIDs: 22187960, 26033159). 4) Diagnostic for a specific tumor type/classification based on well-powered studies with expert-level consensus (Evidence Level B; PMIDs: 22187960, 31990691, 25836323, 31537896, 33135284, 40161378, 31900434, 28654427, 28751916).

Center for Genomic Medicine, Rigshospitalet, Copenhagen University Hospital
Classification: Oncogenic for Neoplasm. Last evaluated: 2025-03-04. Review status: criteria provided, single submitter. Criteria: ClinGen/CGC/VICC Guidelines for Oncogenicity, 2022. Collection method: clinical testing. Allele origin: somatic. Affected: yes.

Institute for Genomic Medicine (IGM) Clinical Laboratory, Nationwide Children's Hospital
Classification: Tier I - Strong for Papillary thyroid carcinoma. Assertion type: diagnostic. Clinical significance: supports diagnosis. Last evaluated: 2024-12-30. Review status: criteria provided, single submitter. Criteria: AMP/ASCO/CAP Guidelines, 2017. Collection method: clinical testing. Allele origin: somatic. Affected: yes.
Comment: Variant has Tier I (strong) clinical significance as a diagnostic inclusion criterion in thyroid gland papillary carcinoma, based on the following evidence: 1) Documented in one or more cancer databases (e.g., St. Jude Pecan, COSMIC, CIViC, OncoKB). 2) Appears in one or more well-established professional guidelines (e.g., World Health Organization [WHO]; National Comprehensive Cancer Network [NCCN]) as providing diagnostic, prognostic, or therapeutic information. 3) Information in the literature supports potential biologic effect of variant (PMIDs: 22187960, 26033159). 4) Diagnostic for a specific tumor type/classification based on well-powered studies with expert-level consensus (Evidence Level B; PMIDs: 29474644, 24617712, 26555935, 36251117, 38558329, 39283830).

Ambry Genetics
Classification: Pathogenic for Hereditary cancer-predisposing syndrome. Last evaluated: 2024-02-27. Review status: criteria provided, single submitter. Criteria: Ambry Variant Classification Scheme 2023. Collection method: clinical testing. Allele origin: germline. Not counted in ClinVar's aggregate classification.
Comment: The p.D1709N pathogenic mutation (also known as c.5125G>A), located in coding exon 23 of the DICER1 gene, results from a G to A substitution at nucleotide position 5125. The aspartic acid at codon 1709 is replaced by asparagine, an amino acid with highly similar properties. This variant is considered to be rare based on population cohorts in the Genome Aggregation Database (gnomAD). This variant has been reported as a de novo occurrence with constitutional mosaicism in multiple individuals with DICER-1-related tumor predisposition syndrome (Brenneman M et al. F1000Res, 2015 Jul;4:214; de Kock L et al. J. Med. Genet., 2016 Jan;53:43-52). This variant resides in the metal ion-binding residue located in the RNase IIIb domain of the DICER1, that is defined as a mutational hotspot and critical functional domain (de Kock L et al. Hum Mutat, 2019 Nov;40:1939-1953). In multiple assays testing DICER1 function, this variant showed functionally abnormal results (Gurtan AM et al. RNA, 2012 Jun;18:1116-22; Heravi-Moussavi A et al. N Engl J Med, 2012 Jan;366:234-42; Wu MK et al. Endocr Relat Cancer, 2016 Feb;23:L1-5). This amino acid position is highly conserved in available vertebrate species. In addition, the in silico prediction for this alteration is inconclusive. This missense alteration is located in a region that has a low rate of benign missense variation (Lek M et al. Nature. 2016 Aug 18;536(7616):285-91; DECIPHER: Database of Chromosomal Imbalance and Phenotype in Humans using Ensembl Resources. Firth H.V. et al. 2009. Am.J.Hum.Genet. 84, 524-533 (DOI)). Based on the supporting evidence, this alteration is interpreted as a disease-causing mutation.

Institute for Genomic Medicine (IGM) Clinical Laboratory, Nationwide Children's Hospital
Classification: Tier I - Strong for Pleuropulmonary blastoma. Assertion type: diagnostic. Clinical significance: supports diagnosis. Last evaluated: 2023-12-11. Review status: criteria provided, single submitter. Criteria: AMP/ASCO/CAP Guidelines, 2017. Collection method: clinical testing. Allele origin: somatic. Affected: yes.
Comment: Variant has Tier I (strong) clinical significance as a diagnostic inclusion criterion in pleuropulmonary blastoma, based on the following evidence: 1) Diagnostic for a specific tumor type/classification according to professional guidelines (Evidence Level A; PMIDs: 23868280, 24675358, 24909177, 28624956, 31603374).